The following is an entry in ClinVar:

ClinVar aggregate classification (germline): Uncertain significance (1 of 4 stars; one submission).

Conditions:
Myofibrillar myopathy 5. Also called: FILAMINOPATHY, AUTOSOMAL DOMINANT; Filaminopathy (type). Identifiers: Orphanet 171445, MedGen C1836050, MONDO:0012289, OMIM 609524.
Distal myopathy with posterior leg and anterior hand involvement. Also called: WILLIAMS DISTAL MYOPATHY. Identifiers: Orphanet 63273, MedGen C3279722, MONDO:0013550, OMIM 614065.
Hypertrophic cardiomyopathy 26. Also called: Cardiomyopathy, familial hypertrophic, 26. Identifiers: Orphanet 75249, MedGen C4310749, MONDO:0014883, OMIM 617047.

Submission:

Labcorp Genetics (formerly Invitae), Labcorp
Classification: Uncertain significance for Distal myopathy with posterior leg and anterior hand involvement; Myofibrillar myopathy 5; Hypertrophic cardiomyopathy 26. Last evaluated: 2025-03-05. Review status: criteria provided, single submitter. Criteria: Invitae Variant Classification Sherloc (09022015). Collection method: clinical testing. Allele origin: germline.
Comment: This sequence change replaces valine, which is neutral and non-polar, with alanine, which is neutral and non-polar, at codon 2508 of the FLNC protein (p.Val2508Ala). This variant is not present in population databases (gnomAD no frequency). This variant has not been reported in the literature in individuals affected with FLNC-related conditions. Invitae Evidence Modeling of protein sequence and biophysical properties (such as structural, functional, and spatial information, amino acid conservation, physicochemical variation, residue mobility, and thermodynamic stability) indicates that this missense variant is not expected to disrupt FLNC protein function with a negative predictive value of 80%. In summary, the available evidence is currently insufficient to determine the role of this variant in disease. Therefore, it has been classified as a Variant of Uncertain Significance.

NM_001458.5(FLNC):c.7523T>C (p.Val2508Ala)

Genes: FLNC (filamin C; plus strand), FLNC-AS1 (FLNC antisense RNA 1; minus strand). Cytogenetic location: 7q32.1.
Variant type: single nucleotide variant.
Coding change: c.7523T>C on transcript NM_001458.5 (MANE Select); coding-DNA position 7523, T replaced by C.
Protein change: p.Val2508Ala; replaces valine 2508 with alanine.
Molecular consequence: missense variant.
Genome position (GRCh38, 1-based): chr7:128,856,883, T>C. VCF-style: chr7-128856883-T-C. GRCh37 (hg19) VCF-style: chr7-128496937-T-C.
Other names: c.7424T>C, p.Val2475Ala (NM_001127487.2); short protein forms V2475A, V2508A.
Identifiers: ClinVar variation 4812352 (VCV004812352.1).